The following is an entry in ClinVar:

ClinVar aggregate classification (germline): Conflicting classifications of pathogenicity. Review status: criteria provided, conflicting classifications (1 of 4 stars). 5 submissions from 5 submitters: Uncertain significance (4); Likely benign (1). Last evaluated 2026-01-12.

Conditions:
Lynch syndrome 4 (LYNCH4). Also called: Colorectal cancer, hereditary nonpolyposis, type 4; Hereditary non-polyposis colorectal cancer, type 4. Identifiers: Orphanet 144, MedGen C1838333, MONDO:0013699, OMIM 614337. Disease mechanism: loss of function.
Mismatch repair cancer syndrome 4. Identifiers: MedGen C5436817, MONDO:0030843, OMIM 619101.
Hereditary nonpolyposis colorectal neoplasms. Identifiers: MedGen C0009405, MeSH D003123.
Hereditary cancer-predisposing syndrome. Also called: Hereditary Cancer Syndrome; Neoplastic Syndromes, Hereditary; Tumor predisposition; Hereditary neoplastic syndrome. Identifiers: Orphanet 140162, MedGen C0027672, MeSH D009386, MONDO:0015356.

Submissions (5):

Dasa
Classification: Uncertain significance. Last evaluated: 2026-01-12. Review status: criteria provided, single submitter. Criteria: DASA Assertion Criteria. Collection method: clinical testing. Allele origin: germline.
Comment: NM_000535.7(PMS2):c.1447G>A (p.Asp483Asn) is a missense variant that results in the substitution of aspartic acid with asparagine. This variant is rare in population databases. Computational prediction algorithms are consistent with a benign effect. The currently available literature and clinical evidence are not sufficient to establish a definitive association between this variant and the reported condition. Therefore, this variant is classified as a variant of uncertain significance.

Ambry Genetics
Classification: Likely benign for Hereditary cancer-predisposing syndrome. Last evaluated: 2024-12-02. Review status: criteria provided, single submitter. Criteria: Ambry Variant Classification Scheme 2023. Collection method: clinical testing. Allele origin: germline.

Labcorp Genetics (formerly Invitae), Labcorp
Classification: Uncertain significance for Hereditary nonpolyposis colorectal neoplasms. Last evaluated: 2024-07-03. Review status: criteria provided, single submitter. Criteria: Invitae Variant Classification Sherloc (09022015). Collection method: clinical testing. Allele origin: germline.
Comment: This sequence change replaces aspartic acid, which is acidic and polar, with asparagine, which is neutral and polar, at codon 483 of the PMS2 protein (p.Asp483Asn). This variant is not present in population databases (gnomAD no frequency). This variant has not been reported in the literature in individuals affected with PMS2-related conditions. ClinVar contains an entry for this variant (Variation ID: 819241). Advanced modeling of protein sequence and biophysical properties (such as structural, functional, and spatial information, amino acid conservation, physicochemical variation, residue mobility, and thermodynamic stability) performed at Invitae indicates that this missense variant is not expected to disrupt PMS2 protein function with a negative predictive value of 80%. In summary, the available evidence is currently insufficient to determine the role of this variant in disease. Therefore, it has been classified as a Variant of Uncertain Significance.

Fulgent Genetics
Classification: Uncertain significance for Lynch syndrome 4; Mismatch repair cancer syndrome 4. Last evaluated: 2024-01-14. Review status: criteria provided, single submitter. Criteria: ACMG Guidelines, 2015. Collection method: clinical testing. Allele origin: germline.

Baylor Genetics
Classification: Uncertain significance for Lynch syndrome 4. Last evaluated: 2023-07-05. Review status: criteria provided, single submitter. Criteria: ACMG Guidelines, 2015. Collection method: clinical testing. Allele origin: unknown.

NM_000535.7(PMS2):c.1447G>A (p.Asp483Asn)

Gene: PMS2 (PMS1 homolog 2, mismatch repair system component; minus strand). Cytogenetic location: 7p22.1.
Variant type: single nucleotide variant.
Coding change: c.1447G>A on transcript NM_000535.7 (MANE Select); coding-DNA position 1447, G replaced by A.
Protein change: p.Asp483Asn; replaces aspartic acid 483 with asparagine.
Molecular consequence: missense variant. On other transcripts: non-coding transcript variant (1).
Genome position (GRCh38, 1-based): chr7:5,987,318, C>T on the plus strand (G>A on the coding strand, the complement: PMS2 is on the minus strand). VCF-style: chr7-5987318-C-T. GRCh37 (hg19) VCF-style: chr7-6026949-C-T.
Other names: c.1042G>A, p.Asp348Asn (NM_001322003.2, NM_001322004.2, NM_001322005.2 and 1 more transcripts); c.1291G>A, p.Asp431Asn (NM_001322006.2); c.1129G>A, p.Asp377Asn (NM_001322007.2, NM_001322008.2); c.886G>A, p.Asp296Asn (NM_001322010.2); c.514G>A, p.Asp172Asn (NM_001322011.2, NM_001322012.2); c.874G>A, p.Asp292Asn (NM_001322013.2); c.1447G>A, p.Asp483Asn (NM_001322014.2); c.1138G>A, p.Asp380Asn (NM_001322015.2); short protein forms D292N, D296N, D348N, D431N, D483N, D172N, D377N, D380N.
Identifiers: ClinVar variation 819241 (VCV000819241.19), dbSNP rs1583319965, ClinGen allele CA366741953.